The following is an entry in ClinVar:

NM_207352.4(CYP4V2):c.47G>A (p.Trp16Ter)

Genes: CYP4V2 (cytochrome P450 family 4 subfamily V member 2; plus strand), LOC129993526 (ATAC-STARR-seq lymphoblastoid silent region 15858; plus strand). Cytogenetic location: 4q35.1.
Variant type: single nucleotide variant.
Coding change: c.47G>A on transcript NM_207352.4 (MANE Select); coding-DNA position 47, G replaced by A.
Protein change: p.Trp16Ter; replaces tryptophan 16 with a stop codon.
Molecular consequence: nonsense.
Genome position (GRCh38, 1-based): chr4:186,191,870, G>A. VCF-style: chr4-186191870-G-A. GRCh37 (hg19) VCF-style: chr4-187113024-G-A.
Other names: short protein forms W16*.
Identifiers: ClinVar variation 3075981 (VCV003075981.1), dbSNP rs2478888763, ClinGen allele CA358946449.

ClinVar aggregate classification (germline): Likely pathogenic (1 of 4 stars; one submission).

Conditions:
Bietti crystalline corneoretinal dystrophy (BCD). Also called: Bietti Crystalline Dystrophy; BIETTI TAPETORETINAL DEGENERATION WITH MARGINAL CORNEAL DYSTROPHY. Identifiers: Orphanet 41751, MedGen C1859486, MONDO:0008865, OMIM 210370.

Submission:

Laboratory for Molecular Medicine, Mass General Brigham Personalized Medicine
Classification: Likely pathogenic for Bietti crystalline corneoretinal dystrophy. Last evaluated: 2024-02-21. Review status: criteria provided, single submitter. Criteria: ACMG Guidelines, 2015. Collection method: clinical testing. Allele origin: germline. Inheritance: Autosomal recessive inheritance.
Comment: The p.Trp16X variant in CYP4V2 has not been previously reported in individuals with corneoretinal dystrophy nor in large population studies (gnomAD v3.1.2). This nonsense variant leads to a premature termination codon at position 16, which is predicted to lead to a truncated or absent protein. Biallelic loss of function of the CYP4V2 gene is an established disease mechanism in autosomal recessive Bietti crystalline corneoretinal dystrophy. In summary, although additional studies are required to fully establish its clinical significance, this variant meets criteria to be classified as likely pathogenic for autosomal recessive Bietti crystalline corneoretinal dystrophy. ACMG/AMP Criteria applied: PVS1, PM2_Supporting.